The following is an entry in ClinVar:

NM_002474.3(MYH11):c.4202T>A (p.Ile1401Asn)

Genes: MYH11 (myosin heavy chain 11; minus strand), NDE1 (nudE neurodevelopment protein 1; plus strand). Cytogenetic location: 16p13.11.
Variant type: single nucleotide variant.
Coding change: c.4202T>A on transcript NM_002474.3 (MANE Select); coding-DNA position 4202, T replaced by A.
Protein change: p.Ile1401Asn; replaces isoleucine 1401 with asparagine.
Molecular consequence: missense variant. On other transcripts: 3 prime UTR variant (2).
Genome position (GRCh38, 1-based): chr16:15,724,324, A>T on the plus strand (T>A on the coding strand, the complement: MYH11 is on the minus strand). VCF-style: chr16-15724324-A-T. GRCh37 (hg19) VCF-style: chr16-15818181-A-T.
Other names: c.4223T>A, p.Ile1408Asn (NM_001040113.2, NM_001040114.2); c.4202T>A, p.Ile1401Asn (NM_022844.3); c.*73A>T (NM_001143979.2, NM_017668.3); short protein forms I1408N, I1401N.
Identifiers: ClinVar variation 2995778 (VCV002995778.4), dbSNP rs765373729, ClinGen allele CA7921740.

ClinVar aggregate classification (germline): Uncertain significance. Review status: criteria provided, multiple submitters, no conflicts (2 of 4 stars). 2 submissions from 2 submitters: Uncertain significance (2). Last evaluated 2026-01-06.

Conditions:
Aortic aneurysm, familial thoracic 4 (AAT4). Also called: AORTIC ANEURYSM/AORTIC DISSECTION AND PATENT DUCTUS ARTERIOSUS. Identifiers: MedGen C1851504, MONDO:0007568, OMIM 132900.
Familial thoracic aortic aneurysm and aortic dissection (TAAD). Also called: Thoracic aortic aneurysms and dissections. Identifiers: Orphanet 91387, MedGen C4707243, MONDO:0019625.

Allele frequency attached by ClinVar (database versions not stated): gnomAD 0.00001.
gnomAD v4.1: 2 of 1,613,922 alleles (0.00012%); highest among the groups gnomAD compares: African/African-American, 0.0027%; no homozygotes.

Submissions (2):

Labcorp Genetics (formerly Invitae), Labcorp
Classification: Uncertain significance for Aortic aneurysm, familial thoracic 4. Last evaluated: 2026-01-06. Review status: criteria provided, single submitter. Criteria: Invitae Variant Classification Sherloc (09022015). Collection method: clinical testing. Allele origin: germline.
Comment: This sequence change replaces isoleucine, which is neutral and non-polar, with asparagine, which is neutral and polar, at codon 1408 of the MYH11 protein (p.Ile1408Asn). This variant is present in population databases (rs765373729, gnomAD 0.007%). This variant has not been reported in the literature in individuals affected with MYH11-related conditions. ClinVar contains an entry for this variant (Variation ID: 2995778). Invitae Evidence Modeling of protein sequence and biophysical properties (such as structural, functional, and spatial information, amino acid conservation, physicochemical variation, residue mobility, and thermodynamic stability) indicates that this missense variant is not expected to disrupt MYH11 protein function with a negative predictive value of 95%. In summary, the available evidence is currently insufficient to determine the role of this variant in disease. Therefore, it has been classified as a Variant of Uncertain Significance.

All of Us Research Program, National Institutes of Health
Classification: Uncertain significance for Familial thoracic aortic aneurysm and aortic dissection. Last evaluated: 2024-03-24. Review status: criteria provided, single submitter. Criteria: ACMG Guidelines, 2015. Collection method: clinical testing. Allele origin: germline. Inheritance: Autosomal dominant inheritance. Observed: 1 variant allele, 1 heterozygote.
Comment: This missense variant replaces isoleucine with asparagine at codon 1408 of the MYH11 protein. Computational prediction is inconclusive regarding the impact of this variant on protein structure and function (internally defined REVEL score threshold 0.5 < inconclusive < 0.7, PMID: 27666373). To our knowledge, functional studies have not been reported for this variant. This variant has not been reported in individuals affected with MYH11-related disorders in the literature. This variant has been identified in 1/251464 chromosomes in the general population by the Genome Aggregation Database (gnomAD). The available evidence is insufficient to determine the role of this variant in disease conclusively. Therefore, this variant is classified as a Variant of Uncertain Significance.

This study involves interpretation of variants in research participants for the purpose of population health screening. Participant phenotype was not available at the time of variant classification. Additional details can be found in publication PMID: 35346344, PMCID: PMC8962531